The following is an entry in ClinVar:

ClinVar aggregate classification (germline): Likely benign. Review status: criteria provided, multiple submitters, no conflicts (2 of 4 stars). 2 submissions from 2 submitters: Likely benign (2). Last evaluated 2024-07-20.

Conditions:
RYR1-related disorder. Also called: RYR1-related disorders; RYR1-related condition. Identifiers: MedGen CN239331.
Malignant hyperthermia, susceptibility to, 1 (MHS1). Also called: Malignant hyperthermia suceptibility 1; Anesthesia related hyperthermia; Malignant hyperpyrexia; Fulminating hyperpyrexia; Pharmacogenic myopathy; RYR1-Related Malignant Hyperthermia Susceptibility. Identifiers: Orphanet 423, MedGen C2930980, MONDO:0007783, OMIM 145600.

gnomAD v4.1: 1 of 1,603,898 alleles (0.000062%); highest among the groups gnomAD compares: Non-Finnish European, 0.000085%; no homozygotes.

Submissions (2):

All of Us Research Program, National Institutes of Health
Classification: Likely benign for Malignant hyperthermia, susceptibility to, 1. Last evaluated: 2024-07-20. Review status: criteria provided, single submitter. Criteria: ACMG Guidelines, 2015. Collection method: clinical testing. Allele origin: germline. Inheritance: Autosomal dominant inheritance. Observed: 1 variant allele, 1 heterozygote.
Comment: This study involves interpretation of variants in research participants for the purpose of population health screening. Participant phenotype was not available at the time of variant classification. Additional details can be found in publication PMID: 35346344, PMCID: PMC8962531

Labcorp Genetics (formerly Invitae), Labcorp
Classification: Likely benign for RYR1-related disorder. Last evaluated: 2022-05-18. Review status: criteria provided, single submitter. Criteria: Invitae Variant Classification Sherloc (09022015). Collection method: clinical testing. Allele origin: germline.

NM_000540.3(RYR1):c.3108C>T (p.Asp1036=)

Gene: RYR1 (ryanodine receptor 1; plus strand). Cytogenetic location: 19q13.2.
Variant type: single nucleotide variant.
Coding change: c.3108C>T on transcript NM_000540.3 (MANE Select); coding-DNA position 3108, C replaced by T.
Protein change: p.Asp1036=; no amino-acid change (aspartic acid 1036 retained).
Molecular consequence: synonymous variant.
Genome position (GRCh38, 1-based): chr19:38,466,328, C>T. VCF-style: chr19-38466328-C-T. GRCh37 (hg19) VCF-style: chr19-38956968-C-T.
Other names: c.3108C>T, p.Asp1036= (NM_001042723.2).
Identifiers: ClinVar variation 2201575 (VCV002201575.5), dbSNP rs759317223, ClinGen allele CA308076086.